The following is an entry in ClinVar:

NM_002907.4(RECQL):c.1055A>T (p.Asp352Val)

Gene: RECQL (RecQ like helicase; minus strand). Cytogenetic location: 12p12.1.
Variant type: single nucleotide variant.
Coding change: c.1055A>T on transcript NM_002907.4 (MANE Select); coding-DNA position 1055, A replaced by T.
Protein change: p.Asp352Val; replaces aspartic acid 352 with valine.
Molecular consequence: missense variant.
Genome position (GRCh38, 1-based): chr12:21,475,719, T>A on the plus strand (A>T on the coding strand, the complement: RECQL is on the minus strand). VCF-style: chr12-21475719-T-A. GRCh37 (hg19) VCF-style: chr12-21628653-T-A.
Other names: c.1055A>T, p.Asp352Val (NM_032941.3); short protein forms D352V.
Identifiers: ClinVar variation 1778334 (VCV001778334.3), dbSNP rs771788478, ClinGen allele CA384121302.

ClinVar aggregate classification (germline): Uncertain significance (1 of 4 stars; one submission).

Submission:

Ambry Genetics
Classification: Uncertain significance. Last evaluated: 2024-05-10. Review status: criteria provided, single submitter. Criteria: Ambry Variant Classification Scheme 2023. Collection method: clinical testing. Allele origin: germline.
Comment: The p.D352V variant (also known as c.1055A>T), located in coding exon 8 of the RECQL gene, results from an A to T substitution at nucleotide position 1055. The aspartic acid at codon 352 is replaced by valine, an amino acid with highly dissimilar properties. This amino acid position is not well conserved in available vertebrate species. In addition, this alteration is predicted to be tolerated by in silico analysis. Since supporting evidence is limited at this time, the clinical significance of this alteration remains unclear.